The following is an entry in ClinVar:

ClinVar aggregate classification (germline): Uncertain significance (1 of 4 stars; one submission).

Conditions:
Myopathy, centronuclear, 2 (CNM2). Also called: MYOTUBULAR MYOPATHY, AUTOSOMAL RECESSIVE. Identifiers: Orphanet 169186, MedGen CN031787, MONDO:0009709, OMIM 255200.

Submission:

Labcorp Genetics (formerly Invitae), Labcorp
Classification: Uncertain significance for Myopathy, centronuclear, 2. Last evaluated: 2022-08-16. Review status: criteria provided, single submitter. Criteria: Invitae Variant Classification Sherloc (09022015). Collection method: clinical testing. Allele origin: germline.
Comment: In summary, the available evidence is currently insufficient to determine the role of this variant in disease. Therefore, it has been classified as a Variant of Uncertain Significance. This variant has not been reported in the literature in individuals affected with BIN1-related conditions. This variant results in a copy number gain of the genomic region encompassing exon(s) 2-19 of the BIN1 gene. This region includes the termination codon of the gene. This copy number gain extends beyond the assayed region for this gene and therefore may encompass additional genes. As the precise location of this event is unknown, it may be in tandem or it may be located elsewhere in the genome.

NC_000002.11:g.(?_127806092)_(127834292_?)dup

Genes: BIN1 (bridging integrator 1; minus strand), LOC112806045 (P300/CBP strongly-dependent group 1 enhancer GRCh37_chr2:127822028-127823227; plus strand). Cytogenetic location: 2q14.3.
Variant type: Duplication.
Identifiers: ClinVar variation 656303 (VCV000656303.4).